The following is an entry in ClinVar:

ClinVar aggregate classification (germline): Uncertain significance (1 of 4 stars; one submission).

Conditions:
Granulomatous disease, chronic, X-linked. Also called: GRANULOMATOUS DISEASE, CHRONIC, X-LINKED, SOMATIC MOSAIC; CYTOCHROME b-NEGATIVE GRANULOMATOUS DISEASE, CHRONIC, X-LINKED. Identifiers: Orphanet 379, MedGen C1844376, MONDO:0010600, OMIM 306400.

Allele frequency attached by ClinVar (database versions not stated): gnomAD 0.00001; gnomAD exomes 0.00001; 1000 Genomes Project 30x 0.00021; 1000 Genomes Project 0.00026.
gnomAD v4.1: 1 of 1,207,294 alleles (0.000083%); highest among the groups gnomAD compares: Admixed American, 0.0022%; no homozygotes.

Submission:

Labcorp Genetics (formerly Invitae), Labcorp
Classification: Uncertain significance for Granulomatous disease, chronic, X-linked. Last evaluated: 2024-02-24. Review status: criteria provided, single submitter. Criteria: Invitae Variant Classification Sherloc (09022015). Collection method: clinical testing. Allele origin: germline.
Comment: This sequence change falls in intron 10 of the CYBB gene. It does not directly change the encoded amino acid sequence of the CYBB protein. It affects a nucleotide within the consensus splice site. This variant is not present in population databases (gnomAD no frequency). This variant has not been reported in the literature in individuals affected with CYBB-related conditions. ClinVar contains an entry for this variant (Variation ID: 1350880). Variants that disrupt the consensus splice site are a relatively common cause of aberrant splicing (PMID: 17576681, 9536098). Algorithms developed to predict the effect of sequence changes on RNA splicing suggest that this variant is not likely to affect RNA splicing. In summary, the available evidence is currently insufficient to determine the role of this variant in disease. Therefore, it has been classified as a Variant of Uncertain Significance.

Literature cited by the submitters: PubMed 17576681; PubMed 9536098.

NM_000397.4(CYBB):c.1314+6T>A

Gene: CYBB (cytochrome b-245 beta chain; plus strand). Cytogenetic location: Xp11.4.
Variant type: single nucleotide variant.
Coding change: c.1314+6T>A on transcript NM_000397.4 (MANE Select); 6 bases into the intron after coding-DNA position 1314, T replaced by A.
Molecular consequence: intron variant.
Genome position (GRCh38, 1-based): chrX:37,805,174, T>A. VCF-style: chrX-37805174-T-A. GRCh37 (hg19) VCF-style: chrX-37664427-T-A.
Identifiers: ClinVar variation 1350880 (VCV001350880.6), dbSNP rs781915760, ClinGen allele CA328041618.